The following is an entry in ClinVar:

ClinVar aggregate classification (germline): Uncertain significance (1 of 4 stars; one submission).

gnomAD v4.1: 14 of 1,614,144 alleles (0.00087%); highest among the groups gnomAD compares: Non-Finnish European, 0.0012%; no homozygotes.

Submission:

Labcorp Genetics (formerly Invitae), Labcorp
Classification: Uncertain significance. Last evaluated: 2024-10-09. Review status: criteria provided, single submitter. Criteria: Invitae Variant Classification Sherloc (09022015). Collection method: clinical testing. Allele origin: germline.
Comment: This sequence change replaces isoleucine, which is neutral and non-polar, with valine, which is neutral and non-polar, at codon 64 of the SCN3A protein (p.Ile64Val). This variant is not present in population databases (gnomAD no frequency). This variant has not been reported in the literature in individuals affected with SCN3A-related conditions. ClinVar contains an entry for this variant (Variation ID: 836757). Invitae Evidence Modeling of protein sequence and biophysical properties (such as structural, functional, and spatial information, amino acid conservation, physicochemical variation, residue mobility, and thermodynamic stability) has been performed for this missense variant. However, the output from this modeling did not meet the statistical confidence thresholds required to predict the impact of this variant on SCN3A protein function. In summary, the available evidence is currently insufficient to determine the role of this variant in disease. Therefore, it has been classified as a Variant of Uncertain Significance.

NM_006922.4(SCN3A):c.190A>G (p.Ile64Val)

Gene: SCN3A (sodium voltage-gated channel alpha subunit 3; minus strand). Cytogenetic location: 2q24.3.
Variant type: single nucleotide variant.
Coding change: c.190A>G on transcript NM_006922.4 (MANE Select); coding-DNA position 190, A replaced by G.
Protein change: p.Ile64Val; replaces isoleucine 64 with valine.
Molecular consequence: missense variant.
Genome position (GRCh38, 1-based): chr2:165,176,205, T>C on the plus strand (A>G on the coding strand, the complement: SCN3A is on the minus strand). VCF-style: chr2-165176205-T-C. GRCh37 (hg19) VCF-style: chr2-166032715-T-C.
Other names: c.190A>G, p.Ile64Val (NM_001081676.2, NM_001081677.2); short protein forms I64V.
Identifiers: ClinVar variation 836757 (VCV000836757.9), dbSNP rs1690444819, ClinGen allele CA349240861.